The following is an entry in ClinVar:

NM_005026.5(PIK3CD):c.2095G>C (p.Val699Leu)

Gene: PIK3CD (phosphatidylinositol-4,5-bisphosphate 3-kinase catalytic subunit delta; plus strand). Cytogenetic location: 1p36.22.
Variant type: single nucleotide variant.
Coding change: c.2095G>C on transcript NM_005026.5 (MANE Select); coding-DNA position 2095, G replaced by C.
Protein change: p.Val699Leu; replaces valine 699 with leucine.
Molecular consequence: missense variant.
Genome position (GRCh38, 1-based): chr1:9,722,014, G>C. VCF-style: chr1-9722014-G-C. GRCh37 (hg19) VCF-style: chr1-9782072-G-C.
Other names: c.2092G>C, p.Val698Leu (NM_001350234.2, NM_001439206.1); c.2008G>C, p.Val670Leu (NM_001350235.1); c.2095G>C, p.Val699Leu (NM_001437546.1); c.1951G>C, p.Val651Leu (NM_001437547.1, NM_001438338.1); short protein forms V651L, V670L, V698L, V699L.
Identifiers: ClinVar variation 4531741 (VCV004531741.1).

ClinVar aggregate classification (germline): Uncertain significance (1 of 4 stars; one submission).

Conditions:
Immunodeficiency 14 (IMD14A). Also called: p110-DELTA-ACTIVATING MUTATION CAUSING SENESCENT T CELLS, LYMPHADENOPATHY, AND IMMUNODEFICIENCY; IMMUNODEFICIENCY 14A WITH LYMPHOPROLIFERATION, AUTOSOMAL DOMINANT; ACTIVATED PI3K-DELTA SYNDROME 1; Activated PI3K Delta Syndrome Type 1 (APDS1). Identifiers: Orphanet 397596, Orphanet 693661, MedGen C5907821, MONDO:0014222, OMIM 615513.

gnomAD v4.1: 23 of 1,613,722 alleles (0.0014%); highest among the groups gnomAD compares: Non-Finnish European, 0.0019%; no homozygotes.

Submission:

Victorian Clinical Genetics Services, Murdoch Childrens Research Institute
Classification: Uncertain significance for Immunodeficiency 14. Last evaluated: 2025-09-11. Review status: criteria provided, single submitter. Criteria: ACMG Guidelines, 2015. Collection method: clinical testing. Allele origin: germline. Affected: yes.
Comment: This variant is classified as VUS-3B. Evidence in support of pathogenic classification: Variant is present in gnomAD <0.01 (v4: 23 heterozygote(s), 0 homozygote(s)). Additional information: Variant is predicted to result in a missense amino acid change from Val to Leu; This variant is heterozygous; This gene is associated with both recessive and dominant disease. - Alternative amino acid change(s) at the same position are present in gnomAD (highest allele count: v4: 29 heterozygote(s), 0 homozygote(s); This variant has no previous evidence of pathogenicity; No published evidence of segregation with disease has been identified for this variant; No published functional evidence has been identified for this variant; Another missense variant(s) comparable to the one identified in this case has inconclusive previous evidence for pathogenicity.p.(Val699Ile) has been classified as a VUS by clinical laboratories (ClinVar); Variant is not located in an established domain, motif, hotspot or informative constraint region; Missense variant with inconclusive in silico prediction and uninformative conservation; Loss of function and gain of function are known mechanisms of disease in this gene and are associated with autosomal recessive immunodeficiency 14B (MIM#619281) and autosomal dominant immunodeficiency 14A (MIM#615513), respectively. Autosomal recessive immunodeficiency 14B is associated with loss of function variants while autosomal dominant immunodeficiency 14A is associated with gain of function variants (PMID: 24136356, 30336224); Inheritance information for this variant is not currently available in this individual.

Literature cited by the submitters: PubMed 30336224; PubMed 24136356.